The following is an entry in ClinVar:

NM_001182.5(ALDH7A1):c.1027C>T (p.His343Tyr)

Gene: ALDH7A1 (aldehyde dehydrogenase 7 family member A1; minus strand). Cytogenetic location: 5q23.2.
Variant type: single nucleotide variant.
Coding change: c.1027C>T on transcript NM_001182.5 (MANE Select); coding-DNA position 1027, C replaced by T.
Protein change: p.His343Tyr; replaces histidine 343 with tyrosine.
Molecular consequence: missense variant. On other transcripts: intron variant (1).
Genome position (GRCh38, 1-based): chr5:126,555,997, G>A on the plus strand (C>T on the coding strand, the complement: ALDH7A1 is on the minus strand). VCF-style: chr5-126555997-G-A. GRCh37 (hg19) VCF-style: chr5-125891689-G-A.
Other names: c.943C>T, p.His315Tyr (NM_001201377.2); c.1008+3243C>T (NM_001202404.2); short protein forms H315Y, H343Y.
Identifiers: ClinVar variation 2118064 (VCV002118064.4), dbSNP rs2480268015, ClinGen allele CA360725204.
Genomic context (GRCh38, chr5:126,555,997, plus strand): 5'-ATGGGTTCCCAACTCGGATCTGTGCATAGGCCTTTTTAAGTCTGTTTACAACCTCATCAT[G>A]GATGCTTTCATGTATAAACTAAACGAAAAAAGATATTCAAGGGCATAGTATGATAAATGC-3'
Protein context (NP_001173.2, residues 333-353): ARRLFIHESI[His343Tyr]DEVVNRLKKA

ClinVar aggregate classification (germline): Uncertain significance (1 of 4 stars; one submission).

Conditions:
Pyridoxine-dependent epilepsy (EPEO4). Also called: Pyridoxine-Dependent Seizures; Pyridoxine-Dependent Epilepsy - ALDH7A1; PYRIDOXINE DEPENDENCY WITH SEIZURES; EPILEPSY, EARLY-ONSET, 4, VITAMIN B6-DEPENDENT. Identifiers: Orphanet 3006, MedGen C1849508, MONDO:0009945, OMIM 266100. Disease mechanism: loss of function.

Submission:

Labcorp Genetics (formerly Invitae), Labcorp
Classification: Uncertain significance for Pyridoxine-dependent epilepsy. Last evaluated: 2022-03-27. Review status: criteria provided, single submitter. Criteria: Invitae Variant Classification Sherloc (09022015). Collection method: clinical testing. Allele origin: germline.
Comment: This variant is not present in population databases (gnomAD no frequency). In summary, the available evidence is currently insufficient to determine the role of this variant in disease. Therefore, it has been classified as a Variant of Uncertain Significance. Advanced modeling of protein sequence and biophysical properties (such as structural, functional, and spatial information, amino acid conservation, physicochemical variation, residue mobility, and thermodynamic stability) performed at Invitae indicates that this missense variant is not expected to disrupt ALDH7A1 protein function. This variant has not been reported in the literature in individuals affected with ALDH7A1-related conditions. This sequence change replaces histidine, which is basic and polar, with tyrosine, which is neutral and polar, at codon 343 of the ALDH7A1 protein (p.His343Tyr).